The following is an entry in ClinVar:

NM_005411.5(SFTPA1):c.18G>T (p.Leu6=)

Gene: SFTPA1 (surfactant protein A1; plus strand). Cytogenetic location: 10q22.3.
Variant type: single nucleotide variant.
Coding change: c.18G>T on transcript NM_005411.5 (MANE Select); coding-DNA position 18, G replaced by T.
Protein change: p.Leu6=; no amino-acid change (leucine 6 retained).
Molecular consequence: synonymous variant.
Genome position (GRCh38, 1-based): chr10:79,611,843, G>T. VCF-style: chr10-79611843-G-T. GRCh37 (hg19) VCF-style: chr10-81371599-G-T.
Other names: c.63G>T, p.Leu21= (NM_001093770.3, NM_001164645.2); c.18G>T, p.Leu6= (NM_001164644.2, NM_001164646.2, NM_001164647.1).
Identifiers: ClinVar variation 3054609 (VCV003054609.2), dbSNP rs2492445845, ClinGen allele CA470413441.
Genomic context (GRCh38, chr10:79,611,843, plus strand): 5'-CACGGCCATCCCTCCTGCAGGAGCAGCGACTGGACCCAGAGCCATGTGGCTGTGCCCTCT[G>T]GCCCTCAACCTCATCTTGATGGCAGCCTCTGGTGCTGTGTGCGAAGTGAAGGACGTTTGT-3'
Protein context (NP_005402.3, residues 1-16): MWLCP[Leu6=]ALNLILMAAS

ClinVar aggregate classification (germline): Likely benign (0 of 4 stars; one submission).

Conditions:
SFTPA1-related disorder. Also called: SFTPA1-related condition.

Submission:

PreventionGenetics, part of Exact Sciences
Classification: Likely benign for SFTPA1-related condition. Last evaluated: 2020-05-20. Review status: no assertion criteria provided. Collection method: clinical testing. Allele origin: germline.
Comment: This variant is classified as likely benign based on ACMG/AMP sequence variant interpretation guidelines (Richards et al. 2015 PMID: 25741868, with internal and published modifications).